The following is an entry in ClinVar:

ClinVar aggregate classification (germline): Uncertain significance. Review status: criteria provided, multiple submitters, no conflicts (2 of 4 stars). 3 submissions from 3 submitters: Uncertain significance (3). Last evaluated 2025-11-19.

Conditions:
Inborn genetic diseases. Identifiers: MedGen C0950123, MeSH D030342.

Allele frequency attached by ClinVar (database versions not stated): gnomAD 0.00001; TOPMed 0.00002; ExAC 0.00004.
gnomAD v4.1: 21 of 1,611,888 alleles (0.0013%); highest among the groups gnomAD compares: Non-Finnish European, 0.0017%; no homozygotes.

Submissions (3):

Labcorp Genetics (formerly Invitae), Labcorp
Classification: Uncertain significance. Last evaluated: 2025-11-19. Review status: criteria provided, single submitter. Criteria: Invitae Variant Classification Sherloc (09022015). Collection method: clinical testing. Allele origin: germline.
Comment: This sequence change replaces leucine, which is neutral and non-polar, with methionine, which is neutral and non-polar, at codon 701 of the LRPPRC protein (p.Leu701Met). This variant is present in population databases (rs763444515, gnomAD 0.007%). This variant has not been reported in the literature in individuals affected with LRPPRC-related conditions. ClinVar contains an entry for this variant (Variation ID: 2148578). Invitae Evidence Modeling of protein sequence and biophysical properties (such as structural, functional, and spatial information, amino acid conservation, physicochemical variation, residue mobility, and thermodynamic stability) indicates that this missense variant is not expected to disrupt LRPPRC protein function with a negative predictive value of 80%. In summary, the available evidence is currently insufficient to determine the role of this variant in disease. Therefore, it has been classified as a Variant of Uncertain Significance.

Ambry Genetics
Classification: Uncertain significance for Inborn genetic diseases. Last evaluated: 2025-03-05. Review status: criteria provided, single submitter. Criteria: Ambry Variant Classification Scheme 2023. Collection method: clinical testing. Allele origin: germline.

Blueprint Genetics
Classification: Uncertain significance. Last evaluated: 2024-09-21. Review status: criteria provided, single submitter. Criteria: ACMG Guidelines, 2015. Collection method: clinical testing. Allele origin: germline.

NM_133259.4(LRPPRC):c.2101T>A (p.Leu701Met)

Gene: LRPPRC (leucine rich pentatricopeptide repeat containing; minus strand). Cytogenetic location: 2p21.
Variant type: single nucleotide variant.
Coding change: c.2101T>A on transcript NM_133259.4 (MANE Select); coding-DNA position 2101, T replaced by A.
Protein change: p.Leu701Met; replaces leucine 701 with methionine.
Molecular consequence: missense variant.
Genome position (GRCh38, 1-based): chr2:43,946,222, A>T on the plus strand (T>A on the coding strand, the complement: LRPPRC is on the minus strand). VCF-style: chr2-43946222-A-T. GRCh37 (hg19) VCF-style: chr2-44173361-A-T.
Other names: c.2101T>A (NM_133259.3); short protein forms L701M.
Identifiers: ClinVar variation 2148578 (VCV002148578.4), dbSNP rs763444515, ClinGen allele CA1638584.